The following is an entry in ClinVar:

NM_000051.4(ATM):c.2467-2A>C

Gene: ATM (ATM serine/threonine kinase; plus strand). Cytogenetic location: 11q22.3.
Variant type: single nucleotide variant.
Coding change: c.2467-2A>C on transcript NM_000051.4 (MANE Select); the canonical splice acceptor site of the intron before coding-DNA position 2467, A replaced by C.
Molecular consequence: splice acceptor variant.
Genome position (GRCh38, 1-based): chr11:108,267,169, A>C. VCF-style: chr11-108267169-A-C. GRCh37 (hg19) VCF-style: chr11-108137896-A-C.
Other names: c.2467-2A>C (NM_001351834.2).
Identifiers: ClinVar variation 490473 (VCV000490473.18), dbSNP rs1555082050, ClinGen allele CA382543075.

ClinVar aggregate classification (germline): Conflicting classifications of pathogenicity. Review status: criteria provided, conflicting classifications (1 of 4 stars). 6 submissions from 6 submitters: Pathogenic (1); Likely pathogenic (3); Uncertain significance (1). 1 of the submissions does not count toward it. Last evaluated 2024-01-18.

Conditions:
Hereditary cancer-predisposing syndrome. Also called: Tumor predisposition; Neoplastic Syndromes, Hereditary; Hereditary Cancer Syndrome; Hereditary neoplastic syndrome. Identifiers: Orphanet 140162, MedGen C0027672, MeSH D009386, MONDO:0015356.
Familial cancer of breast. Also called: BREAST CANCER, FAMILIAL; hereditary breast carcinoma; Hereditary breast cancer. Identifiers: Orphanet 227535, MedGen C0346153, MONDO:0016419, OMIM 114480. Disease mechanism: loss of function.
Ataxia-telangiectasia syndrome (AT). Also called: Ataxia-telangiectasia; Ataxia-telangiectasia, complementation group D; AT, COMPLEMENTATION GROUP C; LOUIS-BAR SYNDROME; Cerebello-oculocutaneous telangiectasia; Immunodeficiency with ataxia telangiectasia. Identifiers: Orphanet 100, MedGen C0004135, MONDO:0008840, OMIM 208900.

Allele frequency attached by ClinVar (database versions not stated): TOPMed below 0.00001; gnomAD 0.00001.
gnomAD v4.1: 7 of 1,613,766 alleles (0.00043%); highest among the groups gnomAD compares: Non-Finnish European, 0.00059%; no homozygotes.

Submissions (6):

Myriad Genetics, Inc.
Classification: Likely pathogenic for Familial cancer of breast. Last evaluated: 2024-01-18. Review status: criteria provided, single submitter. Criteria: Myriad Autosomal Dominant, Autosomal Recessive and X-Linked Classification Criteria (2023). Collection method: clinical testing. Allele origin: unknown.
Comment: This variant is considered likely pathogenic. This variant occurs within a consensus splice junction and is predicted to result in abnormal mRNA splicing of either an out-of-frame exon or an in-frame exon necessary for protein stability and/or normal function.

Ambry Genetics
Classification: Uncertain significance for Hereditary cancer-predisposing syndrome. Last evaluated: 2023-07-25. Review status: criteria provided, single submitter. Criteria: Ambry Variant Classification Scheme 2023. Collection method: clinical testing. Allele origin: germline.
Comment: The c.2467-2A>C intronic variant results from an A to C substitution two nucleotides upstream from coding exon 16 in the ATM gene. Alterations that disrupt the canonical splice site are expected to result in aberrant splicing. In silico splice site analysis predicts that this alteration will weaken the native splice acceptor site and will result in the creation or strengthening of a novel splice acceptor site; however, direct evidence is insufficient at this time (Ambry internal data). The resulting transcript is predicted to be in-frame and is not expected to trigger nonsense-mediated mRNAdecay; however, direct evidence is unavailable. The exact functional effect of the altered amino acid sequence is unknown. This nucleotide position is well conserved in available vertebrate species. Since supporting evidence is limited at this time, the clinical significance of this alteration remains unclear.

Victorian Clinical Genetics Services, Murdoch Childrens Research Institute
Classification: Pathogenic for Ataxia-telangiectasia syndrome. Last evaluated: 2022-06-24. Review status: criteria provided, single submitter. Criteria: ACMG Guidelines, 2015. Collection method: clinical testing. Allele origin: germline. Inheritance: Autosomal recessive inheritance. Affected: no.
Comment: Based on the classification scheme VCGS_Germline_v1.3.4, this variant is classified as Pathogenic. Following criteria are met: 0102 - Loss of function is a known mechanism of disease in this gene and is associated with ataxia-telangiectasia (MIM#208900). (I) 0108 - This gene is associated with both recessive and dominant disease. Biallelic variants in this gene result in ataxia-telangiectasia, whereas heterozygous individuals have a greater susceptilbity to breast cancer (OMIM). (I) 0112 - The condition associated with this gene has incomplete penetrance associated with autosomal dominant susceptibility to breast cancer (MIM#114480; OMIM, PMID: 20301790). (I) 0115 - Variants in this gene are known to have variable expressivity. Variable age of onset and rate of disease progression have been reported for affected individuals within the same family (PMIDs: 20301790, 27884168). (I) 0211 - Canonical splice site variant without proven consequence on splicing (no functional evidence available). (SP) 0251 - This variant is heterozygous. (I) 0304 - Variant is present in gnomAD (v3) <0.01 (1 heterozygote, 0 homozygotes). (SP) 0311 - An alternative nucleotide change at the same canonical splice site is present in gnomAD (v2) (1 heterozygote, 0 homozygotes). (I) 0505 - Abnormal splicing is predicted by in silico tools and affected nucleotide is highly conserved. (SP) 0701 - Other canonical splice site variants comparable to the one identified in this case have very strong previous evidence for pathogenicity. c.2467-2A>T, c.2467-2A>G, and c.2467-1G>A have been classified as likely pathogenic by clinical laboratories in ClinVar, and c.2467-1G>C and c.2467-2A>T have been observed as compound heterozygous with premature termination codon variants in individuals with ataxia-telangiectasia (PMIDs: 21459046, 22649200). (SP) 0802 - This variant has moderate previous evidence of pathogenicity in unrelated individuals. This variant has been classified as likely pathogenic by three clinical laboratories in ClinVar. (SP) 0905 - No published segregation evidence has been identified for this variant. (I) 1007 - No published functional evidence has been identified for this variant. (I) 1208 - Inheritance information for this variant is not currently available in this individual. (I) Legend: (SP) - Supporting pathogenic, (I) - Information, (SB) - Supporting benign

Labcorp Genetics (formerly Invitae), Labcorp
Classification: Likely pathogenic for Ataxia-telangiectasia syndrome. Last evaluated: 2022-01-27. Review status: criteria provided, single submitter. Criteria: Invitae Variant Classification Sherloc (09022015). Collection method: clinical testing. Allele origin: germline.
Comment: In summary, the currently available evidence indicates that the variant is pathogenic, but additional data are needed to prove that conclusively. Therefore, this variant has been classified as Likely Pathogenic. Algorithms developed to predict the effect of sequence changes on RNA splicing suggest that this variant may disrupt the consensus splice site. ClinVar contains an entry for this variant (Variation ID: 490473). This variant has not been reported in the literature in individuals affected with ATM-related conditions. This variant is not present in population databases (gnomAD no frequency). This sequence change affects an acceptor splice site in intron 16 of the ATM gene. It is expected to disrupt RNA splicing. Variants that disrupt the donor or acceptor splice site typically lead to a loss of protein function (PMID: 16199547), and loss-of-function variants in ATM are known to be pathogenic (PMID: 23807571, 25614872).

Color Diagnostics, LLC DBA Color Health
Classification: Likely pathogenic for Hereditary cancer-predisposing syndrome. Last evaluated: 2020-04-21. Review status: criteria provided, single submitter. Criteria: ACMG Guidelines, 2015. Collection method: clinical testing. Allele origin: germline.
Comment: This variant causes an A to C nucleotide substitution at the -2 position of intron 16 of the ATM gene. Splice site prediction tools suggest that this variant may have a significant impact on RNA splicing. Although this prediction has not been confirmed in published RNA studies, this variant is expected to result in an absent or disrupted protein product. This variant has not been reported in individuals affected with hereditary cancer in the literature. This variant has not been identified in the general population by the Genome Aggregation Database (gnomAD). Loss of ATM function is a known mechanism of disease. Based on the available evidence, this variant is classified as Likely Pathogenic.

Counsyl
Classification: Likely pathogenic for Ataxia-telangiectasia syndrome. Last evaluated: 2018-02-13. Review status: no assertion criteria provided. Collection method: clinical testing. Allele origin: unknown. Not counted in ClinVar's aggregate classification.

Literature cited by the submitters: PubMed 20301790 (cited by Victorian Clinical Genetics Services, Murdoch Childrens Research Institute); PubMed 21459046 (cited by Victorian Clinical Genetics Services, Murdoch Childrens Research Institute); PubMed 22649200 (cited by Victorian Clinical Genetics Services, Murdoch Childrens Research Institute); PubMed 27884168 (cited by Victorian Clinical Genetics Services, Murdoch Childrens Research Institute); PubMed 16199547 (cited by Labcorp Genetics (formerly Invitae), Labcorp); PubMed 23807571 (cited by Labcorp Genetics (formerly Invitae), Labcorp); PubMed 25614872 (cited by Labcorp Genetics (formerly Invitae), Labcorp).